The following is an entry in ClinVar:

NM_001365999.1(SZT2):c.5515C>T (p.Arg1839Cys)

Gene: SZT2 (SZT2 subunit of KICSTOR complex; plus strand). Cytogenetic location: 1p34.2.
Variant type: single nucleotide variant.
Coding change: c.5515C>T on transcript NM_001365999.1 (MANE Select); coding-DNA position 5515, C replaced by T.
Protein change: p.Arg1839Cys; replaces arginine 1839 with cysteine.
Molecular consequence: missense variant.
Genome position (GRCh38, 1-based): chr1:43,432,589, C>T. VCF-style: chr1-43432589-C-T. GRCh37 (hg19) VCF-style: chr1-43898260-C-T.
Other names: c.5344C>T, p.Arg1782Cys (NM_015284.4); short protein forms R1782C, R1839C.
Identifiers: ClinVar variation 433091 (VCV000433091.14), dbSNP rs147748994, ClinGen allele CA809597.

ClinVar aggregate classification (germline): Uncertain significance. Review status: criteria provided, multiple submitters, no conflicts (2 of 4 stars). 5 submissions from 5 submitters: Uncertain significance (4). 1 of the submissions does not count toward it. Last evaluated 2026-08-06.

Conditions:
Developmental and epileptic encephalopathy, 18 (DEE18). Also called: Early infantile epileptic encephalopathy 18. Identifiers: Orphanet 369894, MedGen C3809624, MONDO:0014201, OMIM 615476.
Inborn genetic diseases. Identifiers: MedGen C0950123, MeSH D030342.
Self-limited epilepsy with centrotemporal spikes. Also called: Rolandic epilepsy; Childhood epilepsy with centrotemporal spikes. Identifiers: Orphanet 1945, MedGen C0376532, MONDO:0007295.

Allele frequency attached by ClinVar (database versions not stated): ExAC 0.00008; gnomAD 0.00009 and 0.00010; TOPMed 0.00014; ESP Exome Variant Server 0.00015; gnomAD exomes 0.00019 and 0.00007; 1000 Genomes Project 0.00020; 1000 Genomes Project 30x 0.00031.
gnomAD v4.1: 285 of 1,613,678 alleles (0.018%); highest among the groups gnomAD compares: Non-Finnish European, 0.021%; 1 homozygote.

Submissions (5):

GeneDx
Classification: Uncertain significance. Last evaluated: 2026-08-06. Review status: criteria provided, single submitter. Criteria: GeneDx Variant Classification Process June 2021. Collection method: clinical testing. Allele origin: germline.
Comment: Reported previously in the heterozygous state in a patient with epilepsy; however, no further clinical or segregation information was provided (PMID: 29358611); Not observed at significant frequency in large population cohorts (gnomAD); In silico analysis suggests that this missense variant does not alter protein structure/function; This variant is associated with the following publications: (PMID: 29358611)

Labcorp Genetics (formerly Invitae), Labcorp
Classification: Uncertain significance. Last evaluated: 2024-10-24. Review status: criteria provided, single submitter. Criteria: Invitae Variant Classification Sherloc (09022015). Collection method: clinical testing. Allele origin: germline.
Comment: This sequence change replaces arginine, which is basic and polar, with cysteine, which is neutral and slightly polar, at codon 1782 of the SZT2 protein (p.Arg1782Cys). This variant is present in population databases (rs147748994, gnomAD 0.01%). This variant has not been reported in the literature in individuals affected with SZT2-related conditions. ClinVar contains an entry for this variant (Variation ID: 433091). Invitae Evidence Modeling of protein sequence and biophysical properties (such as structural, functional, and spatial information, amino acid conservation, physicochemical variation, residue mobility, and thermodynamic stability) indicates that this missense variant is not expected to disrupt SZT2 protein function with a negative predictive value of 80%. In summary, the available evidence is currently insufficient to determine the role of this variant in disease. Therefore, it has been classified as a Variant of Uncertain Significance.

Genome-Nilou Lab
Classification: Uncertain significance for Developmental and epileptic encephalopathy, 18. Last evaluated: 2023-04-11. Review status: criteria provided, single submitter. Criteria: ACMG Guidelines, 2015. Collection method: clinical testing. Allele origin: germline. Affected: no.

Ambry Genetics
Classification: Uncertain significance for Inborn genetic diseases. Last evaluated: 2021-08-24. Review status: criteria provided, single submitter. Criteria: Ambry Variant Classification Scheme 2023. Collection method: clinical testing. Allele origin: germline.

Bioinformatics Core, Luxembourg Center for Systems Biomedicine
Classification: Pathogenic for Self-limited epilepsy with centrotemporal spikes. Last evaluated: 2017-01-01. Review status: no assertion criteria provided. Collection method: case-control. Allele origin: germline. Affected: yes. Study: EUROEPINOMICS COGIE. Not counted in ClinVar's aggregate classification.

Literature cited by the submitters: PubMed 29358611 (cited by Bioinformatics Core, Luxembourg Center for Systems Biomedicine).